The following is an entry in ClinVar:

ClinVar aggregate classification (germline): Conflicting classifications of pathogenicity. Review status: criteria provided, conflicting classifications (1 of 4 stars). 5 submissions from 5 submitters: Uncertain significance (3); Likely benign (2). Last evaluated 2025-04-17.

Conditions:
Familial cancer of breast. Also called: BREAST CANCER, FAMILIAL; Hereditary breast cancer; hereditary breast carcinoma. Identifiers: Orphanet 227535, MedGen C0346153, MONDO:0016419, OMIM 114480. Disease mechanism: loss of function.
Hereditary cancer-predisposing syndrome. Also called: Tumor predisposition; Hereditary Cancer Syndrome; Hereditary neoplastic syndrome; Neoplastic Syndromes, Hereditary. Identifiers: Orphanet 140162, MedGen C0027672, MeSH D009386, MONDO:0015356.

Allele frequency attached by ClinVar (database versions not stated): TOPMed below 0.00001; gnomAD exomes 0.00001.
gnomAD v4.1: 19 of 1,614,126 alleles (0.0012%); highest among the groups gnomAD compares: East Asian, 0.0022%; no homozygotes.

Submissions (5):

Labcorp Genetics (formerly Invitae), Labcorp
Classification: Likely benign for Familial cancer of breast. Last evaluated: 2025-04-17. Review status: criteria provided, single submitter. Criteria: Invitae Variant Classification Sherloc (09022015). Collection method: clinical testing. Allele origin: germline.

Ambry Genetics
Classification: Likely benign for Hereditary cancer-predisposing syndrome. Last evaluated: 2024-03-27. Review status: criteria provided, single submitter. Criteria: Ambry Variant Classification Scheme 2023. Collection method: clinical testing. Allele origin: germline.

Baylor Genetics
Classification: Uncertain significance for Familial cancer of breast. Last evaluated: 2023-06-15. Review status: criteria provided, single submitter. Criteria: ACMG Guidelines, 2015. Collection method: clinical testing. Allele origin: unknown.

Color Diagnostics, LLC DBA Color Health
Classification: Uncertain significance for Hereditary cancer-predisposing syndrome. Last evaluated: 2018-08-07. Review status: criteria provided, single submitter. Criteria: ACMG Guidelines, 2015. Collection method: clinical testing. Allele origin: germline.

GeneDx
Classification: Uncertain significance. Last evaluated: 2017-08-23. Review status: criteria provided, single submitter. Criteria: GeneDx Variant Classification (06012015). Collection method: clinical testing. Allele origin: germline. Affected: yes.
Comment: This variant is denoted PALB2 c.1343G>A at the cDNA level, p.Ser448Asn (S448N) at the protein level, and results in the change of a Serine to an Asparagine (AGT>AAT). This variant has been observed in at least one individual with serous ovarian cancer (Ramus 2015). PALB2 Ser448Asn was not observed in large population cohorts (NHLBI Exome Sequencing Project, The 1000 Genomes Consortium 2015, Lek 2016). Since Serine and Asparagine share similar properties, this is considered a conservative amino acid substitution. PALB2 Ser448Asn occurs at a position that is not conserved and is not located in a known functional domain. In silico analyses are inconsistent regarding the effect this variant may have on protein structure and function. Based on currently available evidence, it is unclear whether PALB2 Ser448Asn is a pathogenic or benign variant. We consider it to be a variant of uncertain significance.

Literature cited by the submitters: PubMed 26315354 (cited by Ambry Genetics); PubMed 28779002 (cited by Ambry Genetics); PubMed 32546565 (cited by Ambry Genetics).

NM_024675.4(PALB2):c.1343G>A (p.Ser448Asn)

Gene: PALB2 (partner and localizer of BRCA2; minus strand). Cytogenetic location: 16p12.2.
Variant type: single nucleotide variant.
Coding change: c.1343G>A on transcript NM_024675.4 (MANE Select); coding-DNA position 1343, G replaced by A.
Protein change: p.Ser448Asn; replaces serine 448 with asparagine.
Molecular consequence: missense variant.
Genome position (GRCh38, 1-based): chr16:23,635,203, C>T on the plus strand (G>A on the coding strand, the complement: PALB2 is on the minus strand). VCF-style: chr16-23635203-C-T. GRCh37 (hg19) VCF-style: chr16-23646524-C-T.
Other names: short protein forms S448N.
Identifiers: ClinVar variation 410204 (VCV000410204.18), dbSNP rs956172059, ClinGen allele CA16615266.